The following is an entry in ClinVar:

ClinVar aggregate classification (germline): Likely pathogenic (1 of 4 stars; one submission).

Submission:

Labcorp Genetics (formerly Invitae), Labcorp
Classification: Likely pathogenic. Last evaluated: 2024-02-01. Review status: criteria provided, single submitter. Criteria: Invitae Variant Classification Sherloc (09022015). Collection method: clinical testing. Allele origin: germline.
Comment: This sequence change affects a donor splice site in intron 33 of the COL4A2 gene. It is expected to disrupt RNA splicing. Variants that disrupt the donor or acceptor splice site typically lead to a loss of protein function (PMID: 16199547), and loss-of-function variants in COL4A2 are known to be pathogenic (PMID: 22333902, 30315939). This variant is not present in population databases (gnomAD no frequency). This variant has not been reported in the literature in individuals affected with COL4A2-related conditions. Algorithms developed to predict the effect of sequence changes on RNA splicing suggest that this variant may disrupt the consensus splice site. In summary, the currently available evidence indicates that the variant is pathogenic, but additional data are needed to prove that conclusively. Therefore, this variant has been classified as Likely Pathogenic.

Literature cited by the submitters: PubMed 16199547; PubMed 22333902; PubMed 30315939.

NM_001846.4(COL4A2):c.3025+1G>T

Gene: COL4A2 (collagen type IV alpha 2 chain; plus strand). Cytogenetic location: 13q34.
Variant type: single nucleotide variant.
Coding change: c.3025+1G>T on transcript NM_001846.4 (MANE Select); the canonical splice donor site of the intron after coding-DNA position 3025, G replaced by T.
Molecular consequence: splice donor variant.
Genome position (GRCh38, 1-based): chr13:110,485,028, G>T. VCF-style: chr13-110485028-G-T. GRCh37 (hg19) VCF-style: chr13-111137375-G-T.
Identifiers: ClinVar variation 3638159 (VCV003638159.2).